The following is an entry in ClinVar:

NM_022436.3(ABCG5):c.805G>A (p.Gly269Arg)

Genes: ABCG5 (ATP binding cassette subfamily G member 5; minus strand), DYNC2LI1 (dynein cytoplasmic 2 light intermediate chain 1; plus strand). Cytogenetic location: 2p21.
Variant type: single nucleotide variant.
Coding change: c.805G>A on transcript NM_022436.3 (MANE Select); coding-DNA position 805, G replaced by A.
Protein change: p.Gly269Arg; replaces glycine 269 with arginine.
Molecular consequence: missense variant. On other transcripts: intron variant (2).
Genome position (GRCh38, 1-based): chr2:43,824,988, C>T on the plus strand (G>A on the coding strand, the complement: ABCG5 is on the minus strand). VCF-style: chr2-43824988-C-T. GRCh37 (hg19) VCF-style: chr2-44052127-C-T.
Other names: c.*16-2398C>T (NM_001348913.2, NM_001348912.2); short protein forms G269R.
Identifiers: ClinVar variation 2060432 (VCV002060432.7), dbSNP rs552803459, ClinGen allele CA1636499.

ClinVar aggregate classification (germline): Conflicting classifications of pathogenicity. Review status: criteria provided, conflicting classifications (1 of 4 stars). 5 submissions from 5 submitters: Likely pathogenic (2); Uncertain significance (3). Last evaluated 2026-07-14.

Conditions:
ABCG5-related disorder. Also called: ABCG5-related condition.
Cardiovascular phenotype. Identifiers: MedGen CN230736.
Sitosterolemia 2. Identifiers: MedGen C5231453, MONDO:0020748, OMIM 618666.
Sitosterolemia (STSL). Also called: PHYTOSTEROLEMIA. Identifiers: Orphanet 2882, MedGen C0342907, MONDO:0008863.

Allele frequency attached by ClinVar (database versions not stated): ExAC 0.00002; gnomAD 0.00001; TOPMed 0.00002; 1000 Genomes Project 30x 0.00016; 1000 Genomes Project 0.00020.
gnomAD v4.1: 11 of 1,613,828 alleles (0.00068%); highest among the groups gnomAD compares: East Asian, 0.013%; no homozygotes.

Submissions (5):

PreventionGenetics, part of Exact Sciences
Classification: Uncertain significance for ABCG5-related condition. Last evaluated: 2026-07-14. Review status: criteria provided, single submitter. Criteria: ACMG Guidelines, 2015. Collection method: clinical testing. Allele origin: germline.
Comment: The ABCG5 c.805G>A variant is predicted to result in the amino acid substitution p.Gly269Arg. This variant has been reported along with a second variant in ABCG5 in individuals with features consistent with autosomal recessive sitosterolemia (Niu et al. 2010. PubMed ID: 20521169; Supplementary Table S5, Xia et al. 2021. PubMed ID: 34969652). This variant is reported in 0.025% of alleles in individuals of East Asian descent in gnomAD. Although we suspect this variant may be pathogenic, at this time, the clinical significance of this variant is uncertain due to the absence of conclusive functional and genetic evidence.

Department of Cardiology, Mackay Memorial Hospital
Classification: Uncertain significance for Sitosterolemia. Last evaluated: 2026-03-05. Review status: criteria provided, single submitter. Criteria: ACMG Guidelines, 2015. Collection method: clinical testing. Allele origin: germline. Affected: yes.
Comment: The ABCG5 c.805G>A (p.Gly269Arg) (Accession: VCV002060432.5) variant is a missense alteration in exon 7 that replaces glycine at residue 269 with arginine, introducing an amino acid with markedly different physicochemical properties. This variant has been reported in individuals with clinical features of sitosterolemia together with additional ABCG5 variant(s). The affected glycine residue is highly conserved across vertebrate species, and computational prediction tools suggest that the substitution may impair protein structure or function. However, because the available clinical, segregation, and functional evidence remains limited, the pathogenic role of c.805G>A has not been definitively established, and the variant is best classified as a variant of uncertain significance.

Labcorp Genetics (formerly Invitae), Labcorp
Classification: Likely pathogenic for Sitosterolemia. Last evaluated: 2026-01-28. Review status: criteria provided, single submitter. Criteria: Invitae Variant Classification Sherloc (09022015). Collection method: clinical testing. Allele origin: germline.
Comment: This sequence change replaces glycine, which is neutral and non-polar, with arginine, which is basic and polar, at codon 269 of the ABCG5 protein (p.Gly269Arg). The frequency data for this variant in the population databases is considered unreliable, as metrics indicate poor data quality at this position in the gnomAD database. This missense change has been observed in individual(s) with clinical features of sitosterolemia (PMID: 20521169, 29066094, 34969652; internal data). In at least one individual the data is consistent with being in trans (on the opposite chromosome) from a pathogenic variant. ClinVar contains an entry for this variant (Variation ID: 2060432). An algorithm developed to predict the effect of missense changes on protein structure and function (PolyPhen-2) suggests that this variant is likely to be disruptive. In summary, the currently available evidence indicates that the variant is pathogenic, but additional data are needed to prove that conclusively. Therefore, this variant has been classified as Likely Pathogenic.

Medical and Scientific Branch, Hong Kong Genome Institute
Classification: Likely pathogenic for Sitosterolemia 2. Last evaluated: 2026-01-26. Review status: criteria provided, single submitter. Criteria: ACMG Guidelines, 2015. Collection method: clinical testing. Allele origin: unknown. Affected: yes.

Ambry Genetics
Classification: Uncertain significance for Cardiovascular phenotype. Last evaluated: 2025-01-29. Review status: criteria provided, single submitter. Criteria: Ambry Variant Classification Scheme 2023. Collection method: clinical testing. Allele origin: germline.
Comment: The p.G269R variant (also known as c.805G>A), located in coding exon 7 of the ABCG5 gene, results from a G to A substitution at nucleotide position 805. The glycine at codon 269 is replaced by arginine, an amino acid with dissimilar properties. This variant has been identified in conjunction with other ABCG5 variant(s) in individual(s) with features consistent with sitosterolemia (Niu DM et al. J Inherit Metab Dis, 2010 Aug;33:437-43). This amino acid position is highly conserved in available vertebrate species. In addition, this alteration is predicted to be deleterious by in silico analysis. Based on the available evidence, the clinical significance of this variant remains unclear.

Literature cited by the submitters: PubMed 20521169 (cited by 3 submitters); PubMed 29066094 (cited by 3 submitters); PubMed 34969652 (cited by Labcorp Genetics (formerly Invitae), Labcorp).